The following is an entry in ClinVar:

ClinVar aggregate classification (germline): Pathogenic/Likely pathogenic. Review status: criteria provided, multiple submitters, no conflicts (2 of 4 stars). 2 submissions from 2 submitters: Pathogenic (1); Likely pathogenic (1). Last evaluated 2023-10-15.

Conditions:
Fraser syndrome 2 (FRASRS2). Identifiers: MedGen C4540036, MONDO:0054738, OMIM 617666.
Isolated cryptophthalmia. Also called: Cryptophthalmos, unilateral or bilateral, isolated; ANKYLOBLEPHARON, SIMPLE. Identifiers: Orphanet 91396, MedGen C1852453, MONDO:0007410, OMIM 123570.

Submissions (2):

Labcorp Genetics (formerly Invitae), Labcorp
Classification: Pathogenic. Last evaluated: 2023-10-15. Review status: criteria provided, single submitter. Criteria: Invitae Variant Classification Sherloc (09022015). Collection method: clinical testing. Allele origin: germline.
Comment: This sequence change creates a premature translational stop signal (p.Arg1988Lysfs*16) in the FREM2 gene. It is expected to result in an absent or disrupted protein product. Loss-of-function variants in FREM2 are known to be pathogenic (PMID: 18203166, 26552811). This variant is not present in population databases (gnomAD no frequency). This variant has not been reported in the literature in individuals affected with FREM2-related conditions. For these reasons, this variant has been classified as Pathogenic.

Juno Genomics, Hangzhou Juno Genomics, Inc
Classification: Likely pathogenic for Isolated cryptophthalmia; Fraser syndrome 2. Review status: criteria provided, single submitter. Criteria: ACMG Guidelines, 2015. Collection method: clinical testing. Allele origin: germline.
Comment: Null variant in a gene where loss of function (LOF) is a known mechanism of disease.;Absent from controls (or at extremely low frequency if recessive) in Genome Aggregation Database.

Literature cited by the submitters: PubMed 18203166 (cited by Labcorp Genetics (formerly Invitae), Labcorp); PubMed 26552811 (cited by Labcorp Genetics (formerly Invitae), Labcorp).

NM_207361.6(FREM2):c.5960dup (p.Arg1988fs)

Gene: FREM2 (FRAS1 related extracellular matrix 2; plus strand). Cytogenetic location: 13q13.3.
Variant type: Duplication.
Coding change: c.5960dup on transcript NM_207361.6 (MANE Select); coding-DNA position 5960, one base duplicated (G; older notation c.5960dupG).
Protein change: p.Arg1988fs; shifts the reading frame from arginine 1988.
Molecular consequence: frameshift variant.
Genome position (GRCh38, 1-based): chr13:38,784,749, G duplicated; the last of 6 consecutive G bases (chr13:38,784,744-38,784,749); duplicating any one gives the same sequence. VCF-style (leftmost placement, unchanged base first): chr13-38784743-T-TG. GRCh37 (hg19) VCF-style: chr13-39358880-T-TG.
Other names: short protein forms R1988fs.
Identifiers: ClinVar variation 2784297 (VCV002784297.5), dbSNP rs1203847698, ClinGen allele CA2739277581.
Genomic context (GRCh38, chr13:38,784,743, plus strand): 5'-TAATTGATGACTCTTTGTACGAGGAGGAGGAAACCTTCCATGTCCTTCTGAGCATGCCCA[T>TG]GGGGGGAAGAATCGGATCAGAGTTCCCAGGGGCTCAAGTTACAATCGTTCCTGACAAAGA-3'